The following is an entry in ClinVar:

NC_000020.10:g.(?_34021707)_(34025983_?)del

Genes: GDF5 (growth differentiation factor 5; minus strand), GDF5-AS1 (GDF5 antisense RNA 1; plus strand). Cytogenetic location: 20q11.22.
Variant type: Deletion.
Identifiers: ClinVar variation 2423326 (VCV002423326.3).

ClinVar aggregate classification (germline): Pathogenic (1 of 4 stars; one submission).

Submission:

Labcorp Genetics (formerly Invitae), Labcorp
Classification: Pathogenic. Last evaluated: 2022-07-09. Review status: criteria provided, single submitter. Criteria: Invitae Variant Classification Sherloc (09022015). Collection method: clinical testing. Allele origin: germline.
Comment: A gross deletion of the genomic region encompassing the full coding sequence of the GDF5 gene has been identified. Loss-of-function variants in GDF5 are known to be pathogenic (PMID: 8589725, 9288091, 12121354, 12357473, 27577507). The boundaries of this event are unknown as they extend beyond the assayed region for this gene and therefore may encompass additional genes. Isolated whole-gene deletions of GDF5 have not been reported in the literature. However, larger copy number events that include this gene have been reported (PMID: 29236091). For these reasons, this variant has been classified as Pathogenic.

Literature cited by the submitters: PubMed 8589725; PubMed 9288091; PubMed 12121354; PubMed 12357473; PubMed 27577507; PubMed 29236091.